The following is an entry in ClinVar:

ClinVar aggregate classification (germline): Uncertain significance (1 of 4 stars; one submission).

Conditions:
4p partial monosomy syndrome (WHS). Also called: PITT SYNDROME; Wolf-Hirschhorn syndrome; CHROMOSOME 4p16.3 DELETION SYNDROME; WITTWER SYNDROME. Identifiers: Orphanet 280, MedGen C1956097, MONDO:0008684, OMIM 194190.

Submission:

Centre for Mendelian Genomics, University Medical Centre Ljubljana
Classification: Uncertain significance for 4p partial monosomy syndrome. Last evaluated: 2019-08-16. Review status: criteria provided, single submitter. Criteria: ACMG Guidelines, 2015. Collection method: clinical testing. Allele origin: unknown. Affected: yes.
Comment: This variant was classified as: Uncertain significance. The available evidence on this variant's pathogenicity is insufficient or conflicting. The following ACMG criteria were applied in classifying this variant: PM2.

NM_012318.3(LETM1):c.1261A>T (p.Met421Leu)

Gene: LETM1 (leucine zipper and EF-hand containing transmembrane protein 1; minus strand). Cytogenetic location: 4p16.3.
Variant type: single nucleotide variant.
Coding change: c.1261A>T on transcript NM_012318.3 (MANE Select); coding-DNA position 1261, A replaced by T.
Protein change: p.Met421Leu; replaces methionine 421 with leucine.
Molecular consequence: missense variant.
Genome position (GRCh38, 1-based): chr4:1,823,715, T>A on the plus strand (A>T on the coding strand, the complement: LETM1 is on the minus strand). VCF-style: chr4-1823715-T-A. GRCh37 (hg19) VCF-style: chr4-1825442-T-A.
Other names: short protein forms M421L.
Identifiers: ClinVar variation 930379 (VCV000930379.3), dbSNP rs1711880083, ClinGen allele CA355999146.